The following is an entry in ClinVar:

NM_001378687.1(ATP2C1):c.2232C>A (p.Pro744=)

Gene: ATP2C1 (ATPase secretory pathway Ca2+ transporting 1; plus strand). Cytogenetic location: 3q22.1.
Variant type: single nucleotide variant.
Coding change: c.2232C>A on transcript NM_001378687.1 (MANE Select); coding-DNA position 2232, C replaced by A.
Protein change: p.Pro744=; no amino-acid change (proline 744 retained).
Molecular consequence: synonymous variant.
Genome position (GRCh38, 1-based): chr3:130,996,785, C>A. VCF-style: chr3-130996785-C-A. GRCh37 (hg19) VCF-style: chr3-130715629-C-A.
Other names: c.2232C>A, p.Pro744= (NM_001001485.3, NM_001001486.2, NM_001001487.2 and 5 more transcripts); c.2334C>A, p.Pro778= (NM_001199180.2, NM_001199181.3, NM_001378511.1); c.2217C>A, p.Pro739= (NM_001199182.2); c.2184C>A, p.Pro728= (NM_001199183.2, NM_001199184.3, NM_001378514.1).
Identifiers: ClinVar variation 903303 (VCV000903303.4), dbSNP rs761270371, ClinGen allele CA2615335.
Genomic context (GRCh38, chr3:130,996,785, plus strand): 5'-CTTTCCTAATCCTCTCAATGCCATGCAGATTTTGTGGATCAATATTATTATGGATGGACC[C>A]CCAGCTCAGAGGTACGAGTTTTTTAATTGCATGAGCTGGAAAGACAAGGAATGTGTACTA-3'
Protein context (NP_001365616.1, residues 734-754): ILWINIIMDG[Pro744=]PAQSLGVEPV

ClinVar aggregate classification (germline): Likely benign (1 of 4 stars; one submission).

Conditions:
Familial benign pemphigus (HHD). Identifiers: Orphanet 2841, MedGen C0085106, MONDO:0008218, OMIM 169600.

Allele frequency attached by ClinVar (database versions not stated): TOPMed below 0.00001; gnomAD exomes 0.00001; ExAC 0.00002.
gnomAD v4.1: 3 of 1,603,594 alleles (0.00019%); highest among the groups gnomAD compares: Non-Finnish European, 0.00026%; no homozygotes.

Submission:

Illumina Laboratory Services, Illumina
Classification: Likely benign for Familial benign pemphigus. Last evaluated: 2018-01-13. Review status: criteria provided, single submitter. Criteria: ICSL Variant Classification Criteria 13 December 2019. Collection method: clinical testing. Allele origin: germline.
Comment: This variant was observed in the ICSL laboratory as part of a predisposition screen in an ostensibly healthy population. It had not been previously curated by ICSL or reported in the Human Gene Mutation Database (HGMD: prior to June 1st, 2018), and was therefore a candidate for classification through an automated scoring system. Utilizing variant allele frequency, disease prevalence and penetrance estimates, and inheritance mode, an automated score was calculated to assess if this variant is too frequent to cause the disease. Based on the score and internal cut-off values, a variant classified as likely benign is not then subjected to further curation. The score for this variant resulted in a classification of likely benign for this disease.